The following is an entry in ClinVar:

ClinVar aggregate classification (germline): Uncertain significance (1 of 4 stars; one submission).

Conditions:
Hereditary cancer-predisposing syndrome. Also called: Hereditary Cancer Syndrome; Hereditary neoplastic syndrome; Neoplastic Syndromes, Hereditary; Tumor predisposition. Identifiers: Orphanet 140162, MedGen C0027672, MeSH D009386, MONDO:0015356.

Submission:

Ambry Genetics
Classification: Uncertain significance for Hereditary cancer-predisposing syndrome. Last evaluated: 2025-05-17. Review status: criteria provided, single submitter. Criteria: Ambry Variant Classification Scheme 2023. Collection method: clinical testing. Allele origin: germline.
Comment: The p.V146A variant (also known as c.437T>C), located in coding exon 3 of the NTHL1 gene, results from a T to C substitution at nucleotide position 437. The valine at codon 146 is replaced by alanine, an amino acid with similar properties. This amino acid position is conserved. In addition, this alteration is predicted to be deleterious by in silico analysis. Based on the available evidence, the clinical significance of this variant remains unclear.

NM_002528.7(NTHL1):c.413T>C (p.Val138Ala)

Gene: NTHL1 (nth like DNA glycosylase 1; minus strand). Cytogenetic location: 16p13.3.
Variant type: single nucleotide variant.
Coding change: c.413T>C on transcript NM_002528.7 (MANE Select); coding-DNA position 413, T replaced by C.
Protein change: p.Val138Ala; replaces valine 138 with alanine.
Molecular consequence: missense variant. On other transcripts: intron variant (1).
Genome position (GRCh38, 1-based): chr16:2,044,742, A>G on the plus strand (T>C on the coding strand, the complement: NTHL1 is on the minus strand). VCF-style: chr16-2044742-A-G. GRCh37 (hg19) VCF-style: chr16-2094743-A-G.
Other names: c.83T>C, p.Val28Ala (NM_001318194.2); c.355-1016T>C (NM_001318193.2); short protein forms V28A, V138A.
Identifiers: ClinVar variation 3922256 (VCV003922256.1).